The following is an entry in ClinVar:

NM_003327.4(TNFRSF4):c.698T>C (p.Ile233Thr)

Gene: TNFRSF4 (TNF receptor superfamily member 4; minus strand). Cytogenetic location: 1p36.33.
Variant type: single nucleotide variant.
Coding change: c.698T>C on transcript NM_003327.4 (MANE Select); coding-DNA position 698, T replaced by C.
Protein change: p.Ile233Thr; replaces isoleucine 233 with threonine.
Molecular consequence: missense variant.
Genome position (GRCh38, 1-based): chr1:1,211,769, A>G on the plus strand (T>C on the coding strand, the complement: TNFRSF4 is on the minus strand). VCF-style: chr1-1211769-A-G. GRCh37 (hg19) VCF-style: chr1-1147149-A-G.
Other names: short protein forms I233T.
Identifiers: ClinVar variation 961980 (VCV000961980.1), dbSNP rs1649125548, ClinGen allele CA337798578.

ClinVar aggregate classification (germline): Uncertain significance (1 of 4 stars; one submission).

Conditions:
Combined immunodeficiency due to OX40 deficiency. Also called: OX40 DEFICIENCY; Immunodeficiency 16. Identifiers: Orphanet 431149, MedGen C3810053, MONDO:0014268, OMIM 615593.

Submission:

Labcorp Genetics (formerly Invitae), Labcorp
Classification: Uncertain significance for Immunodeficiency 16. Last evaluated: 2019-09-19. Review status: criteria provided, single submitter. Criteria: Invitae Variant Classification Sherloc (09022015). Collection method: clinical testing. Allele origin: germline.
Comment: This sequence change replaces isoleucine with threonine at codon 233 of the TNFRSF4 protein (p.Ile233Thr). The isoleucine residue is weakly conserved and there is a moderate physicochemical difference between isoleucine and threonine. The frequency data for this variant in the population databases is considered unreliable, as metrics indicate insufficient coverage at this position in the ExAC database. This variant has not been reported in the literature in individuals with TNFRSF4-related conditions. Algorithms developed to predict the effect of missense changes on protein structure and function output the following: SIFT: "Tolerated"; PolyPhen-2: "Benign"; Align-GVGD: "Class C0". The threonine amino acid residue is found in multiple mammalian species, suggesting that this missense change does not adversely affect protein function. These predictions have not been confirmed by published functional studies and their clinical significance is uncertain. In summary, the available evidence is currently insufficient to determine the role of this variant in disease. Therefore, it has been classified as a Variant of Uncertain Significance.